The following is an entry in ClinVar:

ClinVar aggregate classification (germline): Uncertain significance (1 of 4 stars; one submission).

Conditions:
Pitt-Hopkins-like syndrome 2 (PTHSL2). Identifiers: Orphanet 221150, Orphanet 600663, MedGen C3280479, MONDO:0013690, OMIM 614325.

gnomAD v4.1: 3 of 1,600,302 alleles (0.00019%); highest among the groups gnomAD compares: Non-Finnish European, 0.00026%; no homozygotes.

Submission:

Labcorp Genetics (formerly Invitae), Labcorp
Classification: Uncertain significance for Pitt-Hopkins-like syndrome 2. Last evaluated: 2023-01-16. Review status: criteria provided, single submitter. Criteria: Invitae Variant Classification Sherloc (09022015). Collection method: clinical testing. Allele origin: germline.
Comment: This sequence change replaces proline, which is neutral and non-polar, with serine, which is neutral and polar, at codon 208 of the NRXN1 protein (p.Pro208Ser). This variant is not present in population databases (gnomAD no frequency). This variant has not been reported in the literature in individuals affected with NRXN1-related conditions. Algorithms developed to predict the effect of missense changes on protein structure and function (SIFT, PolyPhen-2, Align-GVGD) all suggest that this variant is likely to be tolerated. In summary, the available evidence is currently insufficient to determine the role of this variant in disease. Therefore, it has been classified as a Variant of Uncertain Significance.

NM_001330078.2(NRXN1):c.622C>T (p.Pro208Ser)

Gene: NRXN1 (neurexin 1; minus strand). Cytogenetic location: 2p16.3.
Variant type: single nucleotide variant.
Coding change: c.622C>T on transcript NM_001330078.2 (MANE Select); coding-DNA position 622, C replaced by T.
Protein change: p.Pro208Ser; replaces proline 208 with serine.
Molecular consequence: missense variant.
Genome position (GRCh38, 1-based): chr2:51,027,652, G>A on the plus strand (C>T on the coding strand, the complement: NRXN1 is on the minus strand). VCF-style: chr2-51027652-G-A. GRCh37 (hg19) VCF-style: chr2-51254790-G-A.
Other names: c.622C>T, p.Pro208Ser (NM_001330079.2, NM_001330081.2, NM_001330082.2 and 15 more transcripts); short protein forms P208S.
Identifiers: ClinVar variation 2728882 (VCV002728882.3), dbSNP rs200171245, ClinGen allele CA48054889.